The following is an entry in ClinVar:

ClinVar aggregate classification (germline): Uncertain significance (1 of 4 stars; one submission).

Allele frequency attached by ClinVar (database versions not stated): gnomAD exomes below 0.00001.
gnomAD v4.1: 2 of 1,599,848 alleles (0.00013%); highest among the groups gnomAD compares: South Asian, 0.0011%; no homozygotes.

Submission:

Labcorp Genetics (formerly Invitae), Labcorp
Classification: Uncertain significance. Last evaluated: 2023-08-24. Review status: criteria provided, single submitter. Criteria: Invitae Variant Classification Sherloc (09022015). Collection method: clinical testing. Allele origin: germline.
Comment: This sequence change replaces valine, which is neutral and non-polar, with methionine, which is neutral and non-polar, at codon 772 of the CLCN7 protein (p.Val772Met). In summary, the available evidence is currently insufficient to determine the role of this variant in disease. Therefore, it has been classified as a Variant of Uncertain Significance. Advanced modeling of protein sequence and biophysical properties (such as structural, functional, and spatial information, amino acid conservation, physicochemical variation, residue mobility, and thermodynamic stability) performed at Invitae indicates that this missense variant is not expected to disrupt CLCN7 protein function. This variant has not been reported in the literature in individuals affected with CLCN7-related conditions. The frequency data for this variant in the population databases is considered unreliable, as metrics indicate poor data quality at this position in the gnomAD database.

NM_001287.6(CLCN7):c.2314G>A (p.Val772Met)

Gene: CLCN7 (chloride voltage-gated channel 7; minus strand). Cytogenetic location: 16p13.3.
Variant type: single nucleotide variant.
Coding change: c.2314G>A on transcript NM_001287.6 (MANE Select); coding-DNA position 2314, G replaced by A.
Protein change: p.Val772Met; replaces valine 772 with methionine.
Molecular consequence: missense variant.
Genome position (GRCh38, 1-based): chr16:1,447,023, C>T on the plus strand (G>A on the coding strand, the complement: CLCN7 is on the minus strand). VCF-style: chr16-1447023-C-T. GRCh37 (hg19) VCF-style: chr16-1497024-C-T.
Other names: c.2242G>A, p.Val748Met (NM_001114331.3); short protein forms V748M, V772M.
Identifiers: ClinVar variation 2787141 (VCV002787141.3), dbSNP rs921948553, ClinGen allele CA276667622.